The following is an entry in ClinVar:

ClinVar aggregate classification (germline): Uncertain significance. Review status: criteria provided, multiple submitters, no conflicts (2 of 4 stars). 4 submissions from 4 submitters: Uncertain significance (4). Last evaluated 2024-09-23.

Conditions:
Hereditary nonpolyposis colorectal neoplasms. Identifiers: MedGen C0009405, MeSH D003123.
Lynch syndrome. Identifiers: Orphanet 144, MedGen C4552100, MONDO:0005835. Disease mechanism: loss of function.
Hereditary cancer-predisposing syndrome. Also called: Tumor predisposition; Hereditary neoplastic syndrome; Neoplastic Syndromes, Hereditary; Hereditary Cancer Syndrome. Identifiers: Orphanet 140162, MedGen C0027672, MeSH D009386, MONDO:0015356.

Allele frequency attached by ClinVar (database versions not stated): gnomAD exomes below 0.00001; TOPMed below 0.00001; gnomAD 0.00001.

Submissions (4):

Labcorp Genetics (formerly Invitae), Labcorp
Classification: Uncertain significance for Hereditary nonpolyposis colorectal neoplasms. Last evaluated: 2024-09-23. Review status: criteria provided, single submitter. Criteria: Invitae Variant Classification Sherloc (09022015). Collection method: clinical testing. Allele origin: germline.
Comment: This sequence change replaces aspartic acid, which is acidic and polar, with valine, which is neutral and non-polar, at codon 379 of the PMS2 protein (p.Asp379Val). This variant is not present in population databases (gnomAD no frequency). This variant has not been reported in the literature in individuals affected with PMS2-related conditions. ClinVar contains an entry for this variant (Variation ID: 818389). Invitae Evidence Modeling of protein sequence and biophysical properties (such as structural, functional, and spatial information, amino acid conservation, physicochemical variation, residue mobility, and thermodynamic stability) indicates that this missense variant is not expected to disrupt PMS2 protein function with a negative predictive value of 80%. In summary, the available evidence is currently insufficient to determine the role of this variant in disease. Therefore, it has been classified as a Variant of Uncertain Significance.

Ambry Genetics
Classification: Uncertain significance for Hereditary cancer-predisposing syndrome. Last evaluated: 2024-07-15. Review status: criteria provided, single submitter. Criteria: Ambry Variant Classification Scheme 2023. Collection method: clinical testing. Allele origin: germline.
Comment: The p.D379V variant (also known as c.1136A>T), located in coding exon 10 of the PMS2 gene, results from an A to T substitution at nucleotide position 1136. The aspartic acid at codon 379 is replaced by valine, an amino acid with highly dissimilar properties. This amino acid position is not well conserved in available vertebrate species. In addition, the in silico prediction for this alteration is inconclusive. Since supporting evidence is limited at this time, the clinical significance of this alteration remains unclear.

All of Us Research Program, National Institutes of Health
Classification: Uncertain significance for Lynch syndrome. Last evaluated: 2024-03-05. Review status: criteria provided, single submitter. Criteria: ACMG Guidelines, 2015. Collection method: clinical testing. Allele origin: germline. Inheritance: Autosomal dominant inheritance. Observed: 2 variant alleles, 2 heterozygotes.
Comment: This study involves interpretation of variants in research participants for the purpose of population health screening. Participant phenotype was not available at the time of variant classification. Additional details can be found in publication PMID: 35346344, PMCID: PMC8962531

Quest Diagnostics Nichols Institute San Juan Capistrano
Classification: Uncertain significance. Last evaluated: 2022-10-27. Review status: criteria provided, single submitter. Criteria: Quest Diagnostics criteria. Collection method: clinical testing. Allele origin: unknown.
Comment: The variant has not been reported in the published literature. The frequency of this variant in the general population, 0.0000066 (1/152202 chromosomes), is uninformative in assessment of its pathogenicity. Analysis of this variant using bioinformatics tools for the prediction of the effect of amino acid changes on protein structure and function yielded predictions that this variant is benign. Based on the available information, we are unable to determine the clinical significance of this variant.

NM_000535.7(PMS2):c.1136A>T (p.Asp379Val)

Gene: PMS2 (PMS1 homolog 2, mismatch repair system component; minus strand). Cytogenetic location: 7p22.1.
Variant type: single nucleotide variant.
Coding change: c.1136A>T on transcript NM_000535.7 (MANE Select); coding-DNA position 1136, A replaced by T.
Protein change: p.Asp379Val; replaces aspartic acid 379 with valine.
Molecular consequence: missense variant. On other transcripts: non-coding transcript variant (1), intron variant (2).
Genome position (GRCh38, 1-based): chr7:5,989,808, T>A on the plus strand (A>T on the coding strand, the complement: PMS2 is on the minus strand). VCF-style: chr7-5989808-T-A. GRCh37 (hg19) VCF-style: chr7-6029439-T-A.
Other names: c.731A>T, p.Asp244Val (NM_001322003.2, NM_001322004.2, NM_001322005.2 and 1 more transcripts); c.818A>T, p.Asp273Val (NM_001322007.2, NM_001322008.2); c.203A>T, p.Asp68Val (NM_001322011.2, NM_001322012.2); c.563A>T, p.Asp188Val (NM_001322013.2); c.1136A>T, p.Asp379Val (NM_001322014.2); c.827A>T, p.Asp276Val (NM_001322015.2); c.583+2165A>T (NM_001322010.2); c.988+2165A>T (NM_001322006.2); and 1 more; short protein forms D188V, D244V, D273V, D379V, D68V, D276V.
Identifiers: ClinVar variation 818389 (VCV000818389.18), dbSNP rs536031711, ClinGen allele CA153230500.